The following is an entry in ClinVar:

ClinVar aggregate classification (germline): Uncertain significance (1 of 4 stars; one submission).

Conditions:
Familial acute necrotizing encephalopathy (IIAE3). Also called: ENCEPHALOPATHY, ACUTE, INFECTION-INDUCED, SUSCEPTIBILITY TO, 3; Susceptibility to Acute Necrotizing Encephalopathy 1. Identifiers: Orphanet 88619, MedGen C2675556, MONDO:0011953, OMIM 608033.

Allele frequency attached by ClinVar (database versions not stated): gnomAD exomes below 0.00001.
gnomAD v4.1: 5 of 1,613,268 alleles (0.00031%); highest among the groups gnomAD compares: Non-Finnish European, 0.00034%; no homozygotes.

Submission:

Labcorp Genetics (formerly Invitae), Labcorp
Classification: Uncertain significance for Familial acute necrotizing encephalopathy. Last evaluated: 2019-07-01. Review status: criteria provided, single submitter. Criteria: Invitae Variant Classification Sherloc (09022015). Collection method: clinical testing. Allele origin: germline.
Comment: This variant is not present in population databases (ExAC no frequency). This sequence change replaces methionine with threonine at codon 2813 of the RANBP2 protein (p.Met2813Thr). The methionine residue is moderately conserved and there is a moderate physicochemical difference between methionine and threonine. This variant has not been reported in the literature in individuals with RANBP2-related conditions. In summary, the available evidence is currently insufficient to determine the role of this variant in disease. Therefore, it has been classified as a Variant of Uncertain Significance. Algorithms developed to predict the effect of missense changes on protein structure and function (SIFT, PolyPhen-2, Align-GVGD) all suggest that this variant is likely to be tolerated, but these predictions have not been confirmed by published functional studies and their clinical significance is uncertain.

NM_006267.5(RANBP2):c.8438T>C (p.Met2813Thr)

Gene: RANBP2 (RAN binding protein 2; plus strand). Cytogenetic location: 2q13.
Variant type: single nucleotide variant.
Coding change: c.8438T>C on transcript NM_006267.5 (MANE Select); coding-DNA position 8438, T replaced by C.
Protein change: p.Met2813Thr; replaces methionine 2813 with threonine.
Molecular consequence: missense variant.
Genome position (GRCh38, 1-based): chr2:108,775,877, T>C. VCF-style: chr2-108775877-T-C. GRCh37 (hg19) VCF-style: chr2-109392333-T-C.
Other names: short protein forms M2813T.
Identifiers: ClinVar variation 945258 (VCV000945258.8), dbSNP rs1677851038, ClinGen allele CA348083401.
Genomic context (GRCh38, chr2:108,775,877, plus strand): 5'-CTGAAGAACCTGATTCTATTACCAAATCCATTAGTTCACCATCTGTTTCCTCTGAAACTA[T>C]GGACAAACCTGTAGATTTGTCAACTAGAAAGGAAATTGATACAGATTCTACAAGCCAAGG-3'
Protein context (NP_006258.3, residues 2803-2823): ISSPSVSSET[Met2813Thr]DKPVDLSTRK